The following is an entry in ClinVar:

ClinVar aggregate classification (germline): Uncertain significance (1 of 4 stars; one submission).

Conditions:
Hereditary cancer-predisposing syndrome. Also called: Neoplastic Syndromes, Hereditary; Tumor predisposition; Hereditary Cancer Syndrome; Hereditary neoplastic syndrome. Identifiers: Orphanet 140162, MedGen C0027672, MeSH D009386, MONDO:0015356.

Submission:

Ambry Genetics
Classification: Uncertain significance for Hereditary cancer-predisposing syndrome. Last evaluated: 2025-09-23. Review status: criteria provided, single submitter. Criteria: Ambry Variant Classification Scheme 2023. Collection method: clinical testing. Allele origin: germline.
Comment: The p.K695Q variant (also known as c.2083A>C), located in coding exon 14 of the CTNNA1 gene, results from an A to C substitution at nucleotide position 2083. The lysine at codon 695 is replaced by glutamine, an amino acid with similar properties. This amino acid position is conserved. In addition, the in silico prediction for this alteration is inconclusive. Based on the available evidence, the clinical significance of this variant remains unclear.

NM_001903.5(CTNNA1):c.2083A>C (p.Lys695Gln)

Gene: CTNNA1 (catenin alpha 1; plus strand). Cytogenetic location: 5q31.2.
Variant type: single nucleotide variant.
Coding change: c.2083A>C on transcript NM_001903.5 (MANE Select); coding-DNA position 2083, A replaced by C.
Protein change: p.Lys695Gln; replaces lysine 695 with glutamine.
Molecular consequence: missense variant.
Genome position (GRCh38, 1-based): chr5:138,930,545, A>C. VCF-style: chr5-138930545-A-C. GRCh37 (hg19) VCF-style: chr5-138266234-A-C.
Other names: c.2083A>C, p.Lys695Gln (NM_001290307.3, NM_001323982.2, NM_001323983.1 and 2 more transcripts); c.1774A>C, p.Lys592Gln (NM_001290309.3); c.1714A>C, p.Lys572Gln (NM_001290310.3); c.973A>C, p.Lys325Gln (NM_001290312.1, NM_001323987.1, NM_001323988.1 and 17 more transcripts); c.1990A>C, p.Lys664Gln (NM_001323986.2); c.634A>C, p.Lys212Gln (NM_001324006.1, NM_001324007.1, NM_001324008.1 and 2 more transcripts); c.880A>C, p.Lys294Gln (NM_001324011.1); c.730A>C, p.Lys244Gln (NM_001324012.1, NM_001324013.1); short protein forms K294Q, K325Q, K572Q, K664Q, K695Q, K212Q, K592Q, K244Q.
Identifiers: ClinVar variation 4635399 (VCV004635399.1).